The following is an entry in ClinVar:

NM_001927.4(DES):c.1099A>G (p.Ile367Val)

Gene: DES (desmin; plus strand). Cytogenetic location: 2q35.
Variant type: single nucleotide variant.
Coding change: c.1099A>G on transcript NM_001927.4 (MANE Select); coding-DNA position 1099, A replaced by G.
Protein change: p.Ile367Val; replaces isoleucine 367 with valine.
Molecular consequence: missense variant. On other transcripts: intron variant (1).
Genome position (GRCh38, 1-based): chr2:219,421,415, A>G. VCF-style: chr2-219421415-A-G. GRCh37 (hg19) VCF-style: chr2-220286137-A-G.
Other names: c.1096A>G, p.Ile366Val (NM_001382708.1); c.1030A>G, p.Ile344Val (NM_001382710.1); c.1078A>G, p.Ile360Val (NM_001382711.1); c.1099A>G, p.Ile367Val (NM_001382712.1); c.829A>G, p.Ile277Val (NM_001382713.1); c.736-69A>G (NM_001382709.1); short protein forms I277V, I344V, I360V, I366V, I367V.
Identifiers: ClinVar variation 1212419 (VCV001212419.13), dbSNP rs62636494, ClinGen allele CA2125240.
Genomic context (GRCh38, chr2:219,421,415, plus strand): 5'-AGGCAGATGCGGGAATTGGAGGACCGATTTGCCAGTGAGGCCAGTGGCTACCAGGACAAC[A>G]TTGCGCGCCTGGAGGAGGAAATCCGGCACCTCAAGGATGAGATGGCCCGCCATCTGCGCG-3'
Protein context (NP_001918.3, residues 357-377): ASEASGYQDN[Ile367Val]ARLEEEIRHL

ClinVar aggregate classification (germline): Uncertain significance. Review status: criteria provided, multiple submitters, no conflicts (2 of 4 stars). 3 submissions from 3 submitters: Uncertain significance (3). Last evaluated 2025-06-18.

Conditions:
Desmin-related myofibrillar myopathy (MFM1). Also called: Desminopathy; Desmin related myopathy (former name); Desmin storage myopathy (former name); MYOFIBRILLAR MYOPATHY WITH ARRHYTHMOGENIC RIGHT VENTRICULAR CARDIOMYOPATHY; DESMIN-RELATED MYOPATHY WITH ARRHYTHMOGENIC RIGHT VENTRICULAR CARDIOMYOPATHY; Myofibrillar myopathy 1. Identifiers: Orphanet 363543, Orphanet 98909, MedGen C1832370, MONDO:0011076, OMIM 601419.
Cardiovascular phenotype. Identifiers: MedGen CN230736.

Submissions (3):

Labcorp Genetics (formerly Invitae), Labcorp
Classification: Uncertain significance for Desmin-related myofibrillar myopathy. Last evaluated: 2025-06-18. Review status: criteria provided, single submitter. Criteria: Invitae Variant Classification Sherloc (09022015). Collection method: clinical testing. Allele origin: germline.
Comment: This sequence change replaces isoleucine, which is neutral and non-polar, with valine, which is neutral and non-polar, at codon 367 of the DES protein (p.Ile367Val). This variant is present in population databases (rs62636494, gnomAD 0.0009%). This variant has not been reported in the literature in individuals affected with DES-related conditions. ClinVar contains an entry for this variant (Variation ID: 1212419). Invitae Evidence Modeling of protein sequence and biophysical properties (such as structural, functional, and spatial information, amino acid conservation, physicochemical variation, residue mobility, and thermodynamic stability) has been performed for this missense variant. However, the output from this modeling did not meet the statistical confidence thresholds required to predict the impact of this variant on DES protein function. In summary, the available evidence is currently insufficient to determine the role of this variant in disease. Therefore, it has been classified as a Variant of Uncertain Significance.

Ambry Genetics
Classification: Uncertain significance for Cardiovascular phenotype. Last evaluated: 2025-01-19. Review status: criteria provided, single submitter. Criteria: Ambry Variant Classification Scheme 2023. Collection method: clinical testing. Allele origin: germline.
Comment: The p.I367V variant (also known as c.1099A>G), located in coding exon 6 of the DES gene, results from an A to G substitution at nucleotide position 1099. The isoleucine at codon 367 is replaced by valine, an amino acid with highly similar properties. This amino acid position is conserved. In addition, the in silico prediction for this alteration is inconclusive. Since supporting evidence is limited at this time, the clinical significance of this alteration remains unclear.

GeneDx
Classification: Uncertain significance. Last evaluated: 2019-08-14. Review status: criteria provided, single submitter. Criteria: GeneDx Variant Classification Process June 2021. Collection method: clinical testing. Allele origin: germline. Affected: yes.
Comment: Has not been previously published as pathogenic or benign to our knowledge; Not observed in large population cohorts (Lek et al., 2016); In silico analysis, which includes protein predictors and evolutionary conservation, supports that this variant does not alter protein structure/function